The following is an entry in ClinVar:

ClinVar aggregate classification (germline): Likely benign. Review status: criteria provided, multiple submitters, no conflicts (2 of 4 stars). 3 submissions from 3 submitters: Likely benign (2). 1 of the submissions does not count toward it. Last evaluated 2026-01-27.

Conditions:
CDC73-related disorder. Also called: CDC73-related condition; CDC73-related disorders. Identifiers: MedGen CN169292.
Hereditary cancer-predisposing syndrome. Also called: Neoplastic Syndromes, Hereditary; Hereditary Cancer Syndrome; Tumor predisposition; Hereditary neoplastic syndrome. Identifiers: Orphanet 140162, MedGen C0027672, MeSH D009386, MONDO:0015356.
Parathyroid carcinoma (PRTC). Also called: Parathyroid gland carcinoma; CDC73-Related Parathyroid Carcinoma. Identifiers: Orphanet 143, MedGen C0687150, MONDO:0012004, OMIM 608266, HP:0006780.

Allele frequency attached by ClinVar (database versions not stated): TOPMed 0.00002.
gnomAD v4.1: 28 of 1,598,508 alleles (0.0018%); highest among the groups gnomAD compares: South Asian, 0.0088%; no homozygotes.

Submissions (3):

Labcorp Genetics (formerly Invitae), Labcorp
Classification: Likely benign for Parathyroid carcinoma. Last evaluated: 2026-01-27. Review status: criteria provided, single submitter. Criteria: Invitae Variant Classification Sherloc (09022015). Collection method: clinical testing. Allele origin: germline.

Ambry Genetics
Classification: Likely benign for Hereditary cancer-predisposing syndrome. Last evaluated: 2023-11-16. Review status: criteria provided, single submitter. Criteria: Ambry Variant Classification Scheme 2023. Collection method: clinical testing. Allele origin: germline.

PreventionGenetics, part of Exact Sciences
Classification: Likely benign for CDC73-related condition. Last evaluated: 2023-08-09. Review status: no assertion criteria provided. Collection method: clinical testing. Allele origin: germline. Not counted in ClinVar's aggregate classification.
Comment: This variant is classified as likely benign based on ACMG/AMP sequence variant interpretation guidelines (Richards et al. 2015 PMID: 25741868, with internal and published modifications).

NM_024529.5(CDC73):c.908-4G>A

Gene: CDC73 (cell division cycle 73; plus strand). Cytogenetic location: 1q31.2.
Variant type: single nucleotide variant.
Coding change: c.908-4G>A on transcript NM_024529.5 (MANE Select); 4 bases into the intron before coding-DNA position 908, G replaced by A.
Molecular consequence: intron variant.
Genome position (GRCh38, 1-based): chr1:193,152,376, G>A. VCF-style: chr1-193152376-G-A. GRCh37 (hg19) VCF-style: chr1-193121506-G-A.
Identifiers: ClinVar variation 531660 (VCV000531660.16), dbSNP rs748472788, ClinGen allele CA34380978.